The following is an entry in ClinVar:

ClinVar aggregate classification (germline): Uncertain significance (1 of 4 stars; one submission).

Conditions:
Hereditary cancer-predisposing syndrome. Also called: Neoplastic Syndromes, Hereditary; Tumor predisposition; Hereditary Cancer Syndrome; Hereditary neoplastic syndrome. Identifiers: Orphanet 140162, MedGen C0027672, MeSH D009386, MONDO:0015356.

Submission:

Ambry Genetics
Classification: Uncertain significance for Hereditary cancer-predisposing syndrome. Last evaluated: 2025-12-21. Review status: criteria provided, single submitter. Criteria: Ambry Variant Classification Scheme 2023. Collection method: clinical testing. Allele origin: germline.
Comment: The p.D159N variant (also known as c.475G>A), located in coding exon 4 of the SUFU gene, results from a G to A substitution at nucleotide position 475. The aspartic acid at codon 159 is replaced by asparagine, an amino acid with highly similar properties. This amino acid position is conserved. In addition, the in silico prediction for this alteration is inconclusive. Based on the available evidence, the clinical significance of this variant remains unclear.

NM_016169.4(SUFU):c.475G>A (p.Asp159Asn)

Gene: SUFU (SUFU negative regulator of hedgehog signaling; plus strand). Cytogenetic location: 10q24.32.
Variant type: single nucleotide variant.
Coding change: c.475G>A on transcript NM_016169.4 (MANE Select); coding-DNA position 475, G replaced by A.
Protein change: p.Asp159Asn; replaces aspartic acid 159 with asparagine.
Molecular consequence: missense variant.
Genome position (GRCh38, 1-based): chr10:102,592,602, G>A. VCF-style: chr10-102592602-G-A. GRCh37 (hg19) VCF-style: chr10-104352359-G-A.
Other names: c.475G>A, p.Asp159Asn (NM_001178133.2); short protein forms D159N.
Identifiers: ClinVar variation 4843408 (VCV004843408.1).